The following is an entry in ClinVar:

ClinVar aggregate classification (germline): Likely benign (0 of 4 stars; one submission).

Conditions:
MAPK8IP1-related disorder. Also called: MAPK8IP1-related condition.

Submission:

PreventionGenetics, part of Exact Sciences
Classification: Likely benign for MAPK8IP1-related condition. Last evaluated: 2019-03-18. Review status: no assertion criteria provided. Collection method: clinical testing. Allele origin: germline.
Comment: This variant is classified as likely benign based on ACMG/AMP sequence variant interpretation guidelines (Richards et al. 2015 PMID: 25741868, with internal and published modifications).

NM_005456.4(MAPK8IP1):c.-5C>T

Genes: MAPK8IP1 (mitogen-activated protein kinase 8 interacting protein 1; plus strand), LOC130005631 (ATAC-STARR-seq lymphoblastoid silent region 3290; plus strand). Cytogenetic location: 11p11.2.
Variant type: single nucleotide variant.
Coding change: c.-5C>T on transcript NM_005456.4 (MANE Select); 5 bases upstream of the start codon, C replaced by T.
Molecular consequence: 5 prime UTR variant.
Genome position (GRCh38, 1-based): chr11:45,885,816, C>T. VCF-style: chr11-45885816-C-T. GRCh37 (hg19) VCF-style: chr11-45907367-C-T.
Identifiers: ClinVar variation 3051609 (VCV003051609.2), dbSNP rs111751468, ClinGen allele CA221557552.
Genomic context (GRCh38, chr11:45,885,816, plus strand): 5'-CTCCTTCGCAGCCGCCGCCTCCTCCGCGCCGCGCTCCGCCCGGATGGCCAGGGCTGTGCC[C>T]GAGAATGGCGGAGCGAGAAAGCGGCGGCCTGGGAGGGGGGGCCGCGTCCCCGCCCGCCGC-3'